The following is an entry in ClinVar:

ClinVar aggregate classification (germline): Uncertain significance (1 of 4 stars; one submission).

Conditions:
MAGEL2-related disorder. Also called: MAGEL2-related condition.

Allele frequency attached by ClinVar (database versions not stated): gnomAD exomes below 0.00001; ExAC 0.00001.

Submission:

PreventionGenetics, part of Exact Sciences
Classification: Uncertain significance for MAGEL2-related condition. Last evaluated: 2026-07-14. Review status: criteria provided, single submitter. Criteria: ACMG Guidelines, 2015. Collection method: clinical testing. Allele origin: germline.
Comment: The MAGEL2 c.3433G>A variant is predicted to result in the amino acid substitution p.Glu1145Lys. To our knowledge, this variant has not been reported in the literature. This variant is reported in 0.0033% of alleles in individuals of South Asian descent in gnomAD. At this time, the clinical significance of this variant is uncertain due to the absence of conclusive functional and genetic evidence.

NM_019066.5(MAGEL2):c.3433G>A (p.Glu1145Lys)

Gene: MAGEL2 (MAGE family member L2; minus strand). Cytogenetic location: 15q11.2.
Variant type: single nucleotide variant.
Coding change: c.3433G>A on transcript NM_019066.5 (MANE Select); coding-DNA position 3433, G replaced by A.
Protein change: p.Glu1145Lys; replaces glutamic acid 1145 with lysine.
Molecular consequence: missense variant.
Genome position (GRCh38, 1-based): chr15:23,644,310, C>T on the plus strand (G>A on the coding strand, the complement: MAGEL2 is on the minus strand). VCF-style: chr15-23644310-C-T. GRCh37 (hg19) VCF-style: chr15-23889457-C-T.
Other names: short protein forms E1145K.
Identifiers: ClinVar variation 2635950 (VCV002635950.2), dbSNP rs750656056, ClinGen allele CA7429694.